The following is an entry in ClinVar:

ClinVar aggregate classification (germline): Uncertain significance (1 of 4 stars; one submission).

gnomAD v4.1: 2 of 1,614,206 alleles (0.00012%); highest among the groups gnomAD compares: Non-Finnish European, 0.00017%; no homozygotes.

Submission:

Labcorp Genetics (formerly Invitae), Labcorp
Classification: Uncertain significance. Last evaluated: 2025-06-12. Review status: criteria provided, single submitter. Criteria: Invitae Variant Classification Sherloc (09022015). Collection method: clinical testing. Allele origin: germline.
Comment: This sequence change replaces threonine, which is neutral and polar, with isoleucine, which is neutral and non-polar, at codon 839 of the ADCY10 protein (p.Thr839Ile). This variant is not present in population databases (gnomAD no frequency). This variant has not been reported in the literature in individuals affected with ADCY10-related conditions. ClinVar contains an entry for this variant (Variation ID: 3653890). An algorithm developed to predict the effect of missense changes on protein structure and function outputs the following: PolyPhen-2: "Benign". The isoleucine amino acid residue is found in multiple mammalian species, which suggests that this missense change does not adversely affect protein function. In summary, the available evidence is currently insufficient to determine the role of this variant in disease. Therefore, it has been classified as a Variant of Uncertain Significance.

NM_018417.6(ADCY10):c.2516C>T (p.Thr839Ile)

Gene: ADCY10 (adenylate cyclase 10; minus strand). Cytogenetic location: 1q24.2.
Variant type: single nucleotide variant.
Coding change: c.2516C>T on transcript NM_018417.6 (MANE Select); coding-DNA position 2516, C replaced by T.
Protein change: p.Thr839Ile; replaces threonine 839 with isoleucine.
Molecular consequence: missense variant.
Genome position (GRCh38, 1-based): chr1:167,846,185, G>A on the plus strand (C>T on the coding strand, the complement: ADCY10 is on the minus strand). VCF-style: chr1-167846185-G-A. GRCh37 (hg19) VCF-style: chr1-167815423-G-A.
Other names: c.2057C>T, p.Thr686Ile (NM_001167749.3); c.2240C>T, p.Thr747Ile (NM_001297772.2); short protein forms T686I, T747I, T839I.
Identifiers: ClinVar variation 3653890 (VCV003653890.2).